The following is an entry in ClinVar:

NM_001080453.3(INTS1):c.4091C>T (p.Pro1364Leu)

Gene: INTS1 (integrator complex subunit 1; minus strand). Cytogenetic location: 7p22.3.
Variant type: single nucleotide variant.
Coding change: c.4091C>T on transcript NM_001080453.3 (MANE Select); coding-DNA position 4091, C replaced by T.
Protein change: p.Pro1364Leu; replaces proline 1364 with leucine.
Molecular consequence: missense variant.
Genome position (GRCh38, 1-based): chr7:1,479,668, G>A on the plus strand (C>T on the coding strand, the complement: INTS1 is on the minus strand). VCF-style: chr7-1479668-G-A. GRCh37 (hg19) VCF-style: chr7-1519304-G-A.
Other names: short protein forms P1364L.
Identifiers: ClinVar variation 3371698 (VCV003371698.2).
Genomic context (GRCh38, chr7:1,479,668, plus strand): 5'-AGGGCCTGCTGCAGGGCGAGGGCCACGGGGCGGGGACTGGAGCTCTGCCACCGAGGGTCC[G>A]GGCTGAGCGGGAAAATCTGGAACGGGGAAGGCCAGTGTCAGGAGGAAGCGGAGGAGAAGG-3'
Protein context (NP_001073922.2, residues 1354-1374): GMFLQIFPLS[Pro1364Leu]DPRWQSSSPR

ClinVar aggregate classification (germline): Uncertain significance. Review status: criteria provided, multiple submitters, no conflicts (2 of 4 stars). 2 submissions from 2 submitters: Uncertain significance (2). Last evaluated 2025-12-11.

Conditions:
Inborn genetic diseases. Identifiers: MedGen C0950123, MeSH D030342.

gnomAD v4.1: 48 of 1,471,342 alleles (0.0033%); highest among the groups gnomAD compares: Admixed American, 0.01%; no homozygotes.

Submissions (2):

Ambry Genetics
Classification: Uncertain significance for Inborn genetic diseases. Last evaluated: 2025-12-11. Review status: criteria provided, single submitter. Criteria: Ambry Variant Classification Scheme 2023. Collection method: clinical testing. Allele origin: germline.

GeneDx
Classification: Uncertain significance. Last evaluated: 2024-03-27. Review status: criteria provided, single submitter. Criteria: GeneDx Variant Classification Process June 2021. Collection method: clinical testing. Allele origin: germline. Affected: yes.
Comment: In silico analysis supports that this missense variant does not alter protein structure/function; Has not been previously published as pathogenic or benign to our knowledge